The following is an entry in ClinVar:

NM_001378454.1(ALMS1):c.5867C>A (p.Pro1956Gln)

Gene: ALMS1 (ALMS1 centrosome and basal body associated protein; plus strand). Cytogenetic location: 2p13.1.
Variant type: single nucleotide variant.
Coding change: c.5867C>A on transcript NM_001378454.1 (MANE Select); coding-DNA position 5867, C replaced by A.
Protein change: p.Pro1956Gln; replaces proline 1956 with glutamine.
Molecular consequence: missense variant.
Genome position (GRCh38, 1-based): chr2:73,452,394, C>A. VCF-style: chr2-73452394-C-A. GRCh37 (hg19) VCF-style: chr2-73679521-C-A.
Other names: c.5870C>A, p.Pro1957Gln (NM_015120.4); short protein forms P1956Q, P1957Q.
Identifiers: ClinVar variation 860810 (VCV000860810.6), dbSNP rs1671963819, ClinGen allele CA347283660.

ClinVar aggregate classification (germline): Uncertain significance (1 of 4 stars; one submission).

Conditions:
Alstrom syndrome (ALMS). Identifiers: Orphanet 64, MedGen C0268425, MONDO:0008763, OMIM 203800.

Allele frequency attached by ClinVar (database versions not stated): TOPMed below 0.00001.

Submission:

Labcorp Genetics (formerly Invitae), Labcorp
Classification: Uncertain significance for Alstrom syndrome. Last evaluated: 2024-03-16. Review status: criteria provided, single submitter. Criteria: Invitae Variant Classification Sherloc (09022015). Collection method: clinical testing. Allele origin: germline.
Comment: This sequence change replaces proline, which is neutral and non-polar, with glutamine, which is neutral and polar, at codon 1957 of the ALMS1 protein (p.Pro1957Gln). This variant is not present in population databases (gnomAD no frequency). This variant has not been reported in the literature in individuals affected with ALMS1-related conditions. ClinVar contains an entry for this variant (Variation ID: 860810). Experimental studies and prediction algorithms are not available or were not evaluated, and the functional significance of this variant is currently unknown. In summary, the available evidence is currently insufficient to determine the role of this variant in disease. Therefore, it has been classified as a Variant of Uncertain Significance.